The following is an entry in ClinVar:

NM_000051.4(ATM):c.2369_2376+12del

Gene: ATM (ATM serine/threonine kinase; plus strand). Cytogenetic location: 11q22.3.
Variant type: Deletion.
Coding change: c.2369_2376+12del on transcript NM_000051.4 (MANE Select); coding-DNA position 2369 through 12 bases into the intron after coding-DNA position 2376, 20 bases deleted (GTACCAAGGTAAGATTTTCT).
Molecular consequence: splice donor variant.
Genome position (GRCh38, 1-based): chr11:108,257,599-108,257,618, GTACCAAGGTAAGATTTTCT deleted; deleting any 20 consecutive bases within chr11:108,257,597-108,257,618 gives the same sequence; the c. name uses the placement nearest the transcript's 3' end. VCF-style (leftmost placement, unchanged base first): chr11-108257596-ACTGTACCAAGGTAAGATTTT-A. GRCh37 (hg19) VCF-style: chr11-108128323-ACTGTACCAAGGTAAGATTTT-A.
Other names: c.2369_2376+12del (NM_001351834.2).
Identifiers: ClinVar variation 3656380 (VCV003656380.2).

ClinVar aggregate classification (germline): Likely pathogenic (1 of 4 stars; one submission).

Conditions:
Ataxia-telangiectasia syndrome (AT). Also called: LOUIS-BAR SYNDROME; Cerebello-oculocutaneous telangiectasia; Immunodeficiency with ataxia telangiectasia; ATAXIA-TELANGIECTASIA, COMPLEMENTATION GROUP A; ATAXIA-TELANGIECTASIA, FRESNO VARIANT; Ataxia-telangiectasia, complementation group D. Identifiers: Orphanet 100, MedGen C0004135, MONDO:0008840, OMIM 208900.

Submission:

Labcorp Genetics (formerly Invitae), Labcorp
Classification: Likely pathogenic for Ataxia-telangiectasia syndrome. Last evaluated: 2024-06-12. Review status: criteria provided, single submitter. Criteria: Invitae Variant Classification Sherloc (09022015). Collection method: clinical testing. Allele origin: germline.
Comment: This variant results in the deletion of part of exon 15 (c.2369_2376+12del) of the ATM gene. It is expected to disrupt RNA splicing. Variants that disrupt the donor or acceptor splice site typically lead to a loss of protein function (PMID: 16199547), and loss-of-function variants in ATM are known to be pathogenic (PMID: 23807571, 25614872). This variant is not present in population databases (gnomAD no frequency). This variant has not been reported in the literature in individuals affected with ATM-related conditions. RNA analysis provides insufficient evidence to determine the effect of this variant on ATM splicing (Invitae). In summary, the currently available evidence indicates that the variant is pathogenic, but additional data are needed to prove that conclusively. Therefore, this variant has been classified as Likely Pathogenic.

Literature cited by the submitters: PubMed 16199547; PubMed 23807571; PubMed 25614872.